The following is an entry in ClinVar:

ClinVar aggregate classification (germline): Pathogenic (1 of 4 stars; one submission).

Conditions:
Hereditary diffuse gastric adenocarcinoma (HDGC). Also called: DIFFUSE GASTRIC AND LOBULAR BREAST CANCER SYNDROME. Identifiers: Orphanet 26106, MedGen C1708349, MONDO:0007648, OMIM 137215.

Submission:

Myriad Genetics, Inc.
Classification: Pathogenic for Hereditary diffuse gastric adenocarcinoma. Last evaluated: 2023-12-06. Review status: criteria provided, single submitter. Criteria: Myriad Autosomal Dominant, Autosomal Recessive and X-Linked Classification Criteria (2023). Collection method: clinical testing. Allele origin: unknown.
Comment: This variant is considered pathogenic. This variant creates a termination codon and is predicted to result in premature protein truncation.

NM_001903.5(CTNNA1):c.1075G>T (p.Glu359Ter)

Gene: CTNNA1 (catenin alpha 1; plus strand). Cytogenetic location: 5q31.2.
Variant type: single nucleotide variant.
Coding change: c.1075G>T on transcript NM_001903.5 (MANE Select); coding-DNA position 1075, G replaced by T.
Protein change: p.Glu359Ter; replaces glutamic acid 359 with a stop codon.
Molecular consequence: nonsense. On other transcripts: 5 prime UTR variant (26), intron variant (2).
Genome position (GRCh38, 1-based): chr5:138,886,224, G>T. VCF-style: chr5-138886224-G-T. GRCh37 (hg19) VCF-style: chr5-138221913-G-T.
Other names: c.1075G>T, p.Glu359Ter (NM_001290307.3, NM_001323982.2, NM_001323983.1 and 3 more transcripts); c.766G>T, p.Glu256Ter (NM_001290309.3); c.706G>T, p.Glu236Ter (NM_001290310.3); c.-36G>T (NM_001290312.1, NM_001324011.1, NM_001323987.1 and 18 more transcripts); c.-433G>T (NM_001324007.1, NM_001324008.1, NM_001324009.1 and 1 more transcripts); c.-308G>T (NM_001324013.1); c.-58+10627G>T (NM_001324012.1); c.-61+10627G>T (NM_001324010.1); short protein forms E236*, E256*, E359*.
Identifiers: ClinVar variation 2674021 (VCV002674021.1), dbSNP rs2532980348, ClinGen allele CA361132490.